The following is an entry in ClinVar:

NM_006662.3(SRCAP):c.5953G>A (p.Ala1985Thr)

Gene: SRCAP (Snf2 related CREBBP activator protein; plus strand). Cytogenetic location: 16p11.2.
Variant type: single nucleotide variant.
Coding change: c.5953G>A on transcript NM_006662.3 (MANE Select); coding-DNA position 5953, G replaced by A.
Protein change: p.Ala1985Thr; replaces alanine 1985 with threonine.
Molecular consequence: missense variant.
Genome position (GRCh38, 1-based): chr16:30,729,398, G>A. VCF-style: chr16-30729398-G-A. GRCh37 (hg19) VCF-style: chr16-30740719-G-A.
Other names: short protein forms A1985T.
Identifiers: ClinVar variation 2580506 (VCV002580506.3), dbSNP rs2506698760, ClinGen allele CA395621894.

ClinVar aggregate classification (germline): Uncertain significance. Review status: criteria provided, multiple submitters, no conflicts (2 of 4 stars). 2 submissions from 2 submitters: Uncertain significance (2). Last evaluated 2025-07-31.

Conditions:
Inborn genetic diseases. Identifiers: MedGen C0950123, MeSH D030342.

Submissions (2):

Ambry Genetics
Classification: Uncertain significance for Inborn genetic diseases. Last evaluated: 2025-07-31. Review status: criteria provided, single submitter. Criteria: Ambry Variant Classification Scheme 2023. Collection method: clinical testing. Allele origin: germline.

GeneDx
Classification: Uncertain significance. Last evaluated: 2023-11-18. Review status: criteria provided, single submitter. Criteria: GeneDx Variant Classification Process June 2021. Collection method: clinical testing. Allele origin: germline.
Comment: Not observed at significant frequency in large population cohorts (gnomAD); In silico analysis supports that this missense variant has a deleterious effect on protein structure/function; Has not been previously published as pathogenic or benign to our knowledge